The following is an entry in ClinVar:

NM_001048174.2(MUTYH):c.188C>T (p.Ala63Val)

Gene: MUTYH (mutY DNA glycosylase; minus strand). Cytogenetic location: 1p34.1.
Variant type: single nucleotide variant.
Coding change: c.188C>T on transcript NM_001048174.2 (MANE Select); coding-DNA position 188, C replaced by T.
Protein change: p.Ala63Val; replaces alanine 63 with valine.
Molecular consequence: missense variant. On other transcripts: 5 prime UTR variant (4), non-coding transcript variant (2).
Genome position (GRCh38, 1-based): chr1:45,333,489, G>A on the plus strand (C>T on the coding strand, the complement: MUTYH is on the minus strand). VCF-style: chr1-45333489-G-A. GRCh37 (hg19) VCF-style: chr1-45799161-G-A.
Other names: c.188C>T, p.Ala63Val (NM_001048171.2, NM_001048173.2, NM_001293195.2 and 6 more transcripts); c.191C>T, p.Ala64Val (NM_001048172.2, NM_001407071.1, NM_001407078.1 and 2 more transcripts); c.272C>T, p.Ala91Val (NM_001128425.2); c.233C>T, p.Ala78Val (NM_001293190.2); c.221C>T, p.Ala74Val (NM_001293191.2, NM_001407077.1); c.-89C>T (NM_001293192.2, NM_001293196.2, NM_001407091.1); c.-84C>T (NM_001350650.2, NM_001350651.2, NM_001407082.1); c.263C>T, p.Ala88Val (NM_001407069.1, NM_012222.3); and 3 more; short protein forms A35V, A63V, A88V, A70V, A74V, A77V, A78V, A64V.
Identifiers: ClinVar variation 1795274 (VCV001795274.9), dbSNP rs758900778, ClinGen allele CA340136478.

ClinVar aggregate classification (germline): Conflicting classifications of pathogenicity. Review status: criteria provided, conflicting classifications (1 of 4 stars). 2 submissions from 2 submitters: Uncertain significance (1); Benign (1). Last evaluated 2025-09-09.

Conditions:
Hereditary cancer-predisposing syndrome. Also called: Tumor predisposition; Neoplastic Syndromes, Hereditary; Hereditary Cancer Syndrome; Hereditary neoplastic syndrome. Identifiers: Orphanet 140162, MedGen C0027672, MeSH D009386, MONDO:0015356.
Familial adenomatous polyposis 2. Also called: MYH-associated polyposis; Adenomas, multiple colorectal; COLORECTAL ADENOMATOUS POLYPOSIS, AUTOSOMAL RECESSIVE; ADENOMAS, MULTIPLE COLORECTAL, AUTOSOMAL RECESSIVE; MUTYH Polyposis; FAP type 2. Identifiers: Orphanet 220460, Orphanet 247798, MedGen C3272841, MONDO:0012041, OMIM 608456.

Allele frequency attached by ClinVar (database versions not stated): TOPMed below 0.00001.

Submissions (2):

Ambry Genetics
Classification: Benign for Hereditary cancer-predisposing syndrome. Last evaluated: 2025-09-09. Review status: criteria provided, single submitter. Criteria: Ambry Variant Classification Scheme 2023. Collection method: clinical testing. Allele origin: germline.

Labcorp Genetics (formerly Invitae), Labcorp
Classification: Uncertain significance for Familial adenomatous polyposis 2. Last evaluated: 2024-06-18. Review status: criteria provided, single submitter. Criteria: Invitae Variant Classification Sherloc (09022015). Collection method: clinical testing. Allele origin: germline.
Comment: This sequence change replaces alanine, which is neutral and non-polar, with valine, which is neutral and non-polar, at codon 91 of the MUTYH protein (p.Ala91Val). This variant is not present in population databases (gnomAD no frequency). This variant has not been reported in the literature in individuals affected with MUTYH-related conditions. ClinVar contains an entry for this variant (Variation ID: 1795274). An algorithm developed to predict the effect of missense changes on protein structure and function (PolyPhen-2) suggests that this variant is likely to be tolerated. In summary, the available evidence is currently insufficient to determine the role of this variant in disease. Therefore, it has been classified as a Variant of Uncertain Significance.